The following is an entry in ClinVar:

NM_133259.4(LRPPRC):c.591+1G>T

Gene: LRPPRC (leucine rich pentatricopeptide repeat containing; minus strand). Cytogenetic location: 2p21.
Variant type: single nucleotide variant.
Coding change: c.591+1G>T on transcript NM_133259.4 (MANE Select); the canonical splice donor site of the intron after coding-DNA position 591, G replaced by T.
Molecular consequence: splice donor variant.
Genome position (GRCh38, 1-based): chr2:43,977,154, C>A on the plus strand (G>T on the coding strand, the complement: LRPPRC is on the minus strand). VCF-style: chr2-43977154-C-A. GRCh37 (hg19) VCF-style: chr2-44204293-C-A.
Identifiers: ClinVar variation 1067003 (VCV001067003.9), dbSNP rs2103725722, ClinGen allele CA346675692.

ClinVar aggregate classification (germline): Likely pathogenic (1 of 4 stars; one submission).

Submission:

Labcorp Genetics (formerly Invitae), Labcorp
Classification: Likely pathogenic. Last evaluated: 2020-10-16. Review status: criteria provided, single submitter. Criteria: Invitae Variant Classification Sherloc (09022015). Collection method: clinical testing. Allele origin: germline.
Comment: This sequence change affects a donor splice site in intron 4 of the LRPPRC gene. It is expected to disrupt RNA splicing. Variants that disrupt the donor or acceptor splice site typically lead to a loss of protein function (PMID: 16199547), and loss-of-function variants in LRPPRC are known to be pathogenic (PMID: 26510951). This variant is not present in population databases (ExAC no frequency). This variant has not been reported in the literature in individuals with LRPPRC-related conditions. Algorithms developed to predict the effect of sequence changes on RNA splicing suggest that this variant may disrupt the consensus splice site, but this prediction has not been confirmed by published transcriptional studies. In summary, the currently available evidence indicates that the variant is pathogenic, but additional data are needed to prove that conclusively. Therefore, this variant has been classified as Likely Pathogenic.

Literature cited by the submitters: PubMed 16199547; PubMed 26510951.